The following is an entry in ClinVar:

ClinVar aggregate classification (germline): Uncertain significance (1 of 4 stars; one submission).

Conditions:
Early Myoclonic Encephalopathy. Identifiers: MedGen C0270855.

Allele frequency attached by ClinVar (database versions not stated): gnomAD exomes 0.00003 and 0.00001; TOPMed 0.00002; gnomAD 0.00001; ExAC 0.00001.
gnomAD v4.1: 43 of 1,613,840 alleles (0.0027%); highest among the groups gnomAD compares: Admixed American, 0.0033%; no homozygotes.

Submission:

Labcorp Genetics (formerly Invitae), Labcorp
Classification: Uncertain significance for Early Myoclonic Encephalopathy. Last evaluated: 2024-04-05. Review status: criteria provided, single submitter. Criteria: Invitae Variant Classification Sherloc (09022015). Collection method: clinical testing. Allele origin: germline.
Comment: This sequence change replaces serine, which is neutral and polar, with phenylalanine, which is neutral and non-polar, at codon 1471 of the JMJD1C protein (p.Ser1471Phe). This variant is present in population databases (rs768591010, gnomAD 0.003%). This variant has not been reported in the literature in individuals affected with JMJD1C-related conditions. ClinVar contains an entry for this variant (Variation ID: 938938). Advanced modeling of protein sequence and biophysical properties (such as structural, functional, and spatial information, amino acid conservation, physicochemical variation, residue mobility, and thermodynamic stability) has been performed at Invitae for this missense variant, however the output from this modeling did not meet the statistical confidence thresholds required to predict the impact of this variant on JMJD1C protein function. In summary, the available evidence is currently insufficient to determine the role of this variant in disease. Therefore, it has been classified as a Variant of Uncertain Significance.

NM_032776.3(JMJD1C):c.4412C>T (p.Ser1471Phe)

Gene: JMJD1C (jumonji domain containing 1C; minus strand). Cytogenetic location: 10q21.3.
Variant type: single nucleotide variant.
Coding change: c.4412C>T on transcript NM_032776.3 (MANE Select); coding-DNA position 4412, C replaced by T.
Protein change: p.Ser1471Phe; replaces serine 1471 with phenylalanine.
Molecular consequence: missense variant. On other transcripts: non-coding transcript variant (1).
Genome position (GRCh38, 1-based): chr10:63,207,257, G>A on the plus strand (C>T on the coding strand, the complement: JMJD1C is on the minus strand). VCF-style: chr10-63207257-G-A. GRCh37 (hg19) VCF-style: chr10-64967017-G-A.
Other names: c.3866C>T, p.Ser1289Phe (NM_001282948.2, NM_001318154.2); c.3548C>T, p.Ser1183Phe (NM_001318153.2); c.4298C>T, p.Ser1433Phe (NM_001322252.2); c.3755C>T, p.Ser1252Phe (NM_001322254.2, NM_001322258.2); short protein forms S1183F, S1252F, S1471F, S1289F, S1433F.
Identifiers: ClinVar variation 938938 (VCV000938938.9), dbSNP rs768591010, ClinGen allele CA5518271.